The following is an entry in ClinVar:

NM_022167.4(XYLT2):c.749G>A (p.Arg250His)

Gene: XYLT2 (xylosyltransferase 2; plus strand). Cytogenetic location: 17q21.33.
Variant type: single nucleotide variant.
Coding change: c.749G>A on transcript NM_022167.4 (MANE Select); coding-DNA position 749, G replaced by A.
Protein change: p.Arg250His; replaces arginine 250 with histidine.
Molecular consequence: missense variant.
Genome position (GRCh38, 1-based): chr17:50,354,528, G>A. VCF-style: chr17-50354528-G-A. GRCh37 (hg19) VCF-style: chr17-48431889-G-A.
Other names: short protein forms R250H.
Identifiers: ClinVar variation 1030800 (VCV001030800.4), dbSNP rs1454779962, ClinGen allele CA400200854.
Genomic context (GRCh38, chr17:50,354,528, plus strand): 5'-CCCCGGTGCGAATCGCCTACATGCTGGTGGTTCACGGCCGCGCCATCCGCCAGCTGAAGC[G>A]TCTCCTCAAGGCCGTTTATCACGAGCAGCACTTCTTTTACATCCATGTGGACAAGGTACT-3'
Protein context (NP_071450.2, residues 240-260): VHGRAIRQLK[Arg250His]LLKAVYHEQH

ClinVar aggregate classification (germline): Uncertain significance. Review status: criteria provided, multiple submitters, no conflicts (2 of 4 stars). 3 submissions from 3 submitters: Uncertain significance (3). Last evaluated 2025-01-19.

Conditions:
Spondylo-ocular syndrome. Also called: Spondyloocular syndrome, autosomal recessive. Identifiers: Orphanet 85194, MedGen C4225412, MONDO:0011604, OMIM 605822.
Inborn genetic diseases. Identifiers: MedGen C0950123, MeSH D030342.

Allele frequency attached by ClinVar (database versions not stated): TOPMed 0.00002; gnomAD exomes 0.00001; gnomAD 0.00001.
gnomAD v4.1: 9 of 1,613,330 alleles (0.00056%); highest among the groups gnomAD compares: African/African-American, 0.0027%; no homozygotes.

Submissions (3):

Ambry Genetics
Classification: Uncertain significance for Inborn genetic diseases. Last evaluated: 2025-01-19. Review status: criteria provided, single submitter. Criteria: Ambry Variant Classification Scheme 2023. Collection method: clinical testing. Allele origin: germline.

Labcorp Genetics (formerly Invitae), Labcorp
Classification: Uncertain significance. Last evaluated: 2022-04-03. Review status: criteria provided, single submitter. Criteria: Invitae Variant Classification Sherloc (09022015). Collection method: clinical testing. Allele origin: germline.
Comment: This sequence change replaces arginine, which is basic and polar, with histidine, which is basic and polar, at codon 250 of the XYLT2 protein (p.Arg250His). This variant is not present in population databases (gnomAD no frequency). This variant has not been reported in the literature in individuals affected with XYLT2-related conditions. ClinVar contains an entry for this variant (Variation ID: 1030800). Algorithms developed to predict the effect of missense changes on protein structure and function (SIFT, PolyPhen-2, Align-GVGD) all suggest that this variant is likely to be disruptive. In summary, the available evidence is currently insufficient to determine the role of this variant in disease. Therefore, it has been classified as a Variant of Uncertain Significance.

Baylor Genetics
Classification: Uncertain significance for Spondylo-ocular syndrome. Last evaluated: 2019-09-13. Review status: criteria provided, single submitter. Criteria: ACMG Guidelines, 2015. Collection method: clinical testing. Allele origin: unknown. Affected: yes.
Comment: This variant was determined to be of uncertain significance according to ACMG Guidelines, 2015 [PMID:25741868].